The following is an entry in ClinVar:

ClinVar aggregate classification (germline): Benign. Review status: criteria provided, single submitter (1 of 4 stars). 3 submissions from 3 submitters: Benign (1). 2 of the submissions do not count toward it.

Conditions:
TECR-related disorder. Also called: TECR-related condition.

Allele frequency attached by ClinVar (database versions not stated): ExAC 0.01466; gnomAD 0.04190; TOPMed 0.04957; ESP Exome Variant Server 0.05200; 1000 Genomes Project 0.05292; 1000 Genomes Project 30x 0.05450.
gnomAD v4.1: 13,453 of 1,612,278 alleles (0.83%); highest among the groups gnomAD compares: African/African-American, 15%; 944 homozygotes.

Submissions (3):

Breakthrough Genomics
Classification: Benign. Review status: criteria provided, single submitter. Criteria: ACMG Guidelines, 2015. Collection method: not provided. Allele origin: germline. Inheritance: Autosomal recessive inheritance. Affected: yes.

PreventionGenetics, part of Exact Sciences
Classification: Benign for TECR-related condition. Last evaluated: 2019-06-27. Review status: no assertion criteria provided. Collection method: clinical testing. Allele origin: germline. Not counted in ClinVar's aggregate classification.
Comment: This variant is classified as benign based on ACMG/AMP sequence variant interpretation guidelines (Richards et al. 2015 PMID: 25741868, with internal and published modifications).

Genetic Services Laboratory, University of Chicago
Classification: Likely benign for AllHighlyPenetrant. Review status: no assertion criteria provided. Collection method: clinical testing. Allele origin: germline. Inheritance: Autosomal recessive inheritance. Not counted in ClinVar's aggregate classification.
Comment: Likely benign based on allele frequency in 1000 Genomes Project or ESP global frequency and its presence in a patient with a rare or unrelated disease phenotype. NOT Sanger confirmed.

NM_138501.6(TECR):c.799+6C>T

Gene: TECR (trans-2,3-enoyl-CoA reductase; plus strand). Cytogenetic location: 19p13.12.
Variant type: single nucleotide variant.
Coding change: c.799+6C>T on transcript NM_138501.6 (MANE Select); 6 bases into the intron after coding-DNA position 799, C replaced by T.
Molecular consequence: intron variant.
Genome position (GRCh38, 1-based): chr19:14,565,669, C>T. VCF-style: chr19-14565669-C-T. GRCh37 (hg19) VCF-style: chr19-14676481-C-T.
Other names: c.844+6C>T (NM_001321170.1); c.799+6C>T (NM_138501.5).
Identifiers: ClinVar variation 130582 (VCV000130582.9), dbSNP rs10405483, ClinGen allele CA155705.